The following is an entry in ClinVar:

ClinVar aggregate classification (germline): Uncertain significance (1 of 4 stars; one submission).

Conditions:
Hereditary cancer-predisposing syndrome. Also called: Neoplastic Syndromes, Hereditary; Tumor predisposition; Hereditary Cancer Syndrome; Hereditary neoplastic syndrome. Identifiers: Orphanet 140162, MedGen C0027672, MeSH D009386, MONDO:0015356.

Submission:

Ambry Genetics
Classification: Uncertain significance for Hereditary cancer-predisposing syndrome. Last evaluated: 2024-09-24. Review status: criteria provided, single submitter. Criteria: Ambry Variant Classification Scheme 2023. Collection method: clinical testing. Allele origin: germline.
Comment: The p.S683C variant (also known as c.2048C>G), located in coding exon 14 of the PTCH1 gene, results from a C to G substitution at nucleotide position 2048. The serine at codon 683 is replaced by cysteine, an amino acid with dissimilar properties. This amino acid position is conserved. In addition, this alteration is predicted to be deleterious by in silico analysis. Based on the available evidence, the clinical significance of this variant remains unclear.

NM_000264.5(PTCH1):c.2048C>G (p.Ser683Cys)

Genes: PTCH1 (patched 1; minus strand), LOC100507346 (uncharacterized LOC100507346; plus strand). Cytogenetic location: 9q22.32.
Variant type: single nucleotide variant.
Coding change: c.2048C>G on transcript NM_000264.5 (MANE Select); coding-DNA position 2048, C replaced by G.
Protein change: p.Ser683Cys; replaces serine 683 with cysteine.
Molecular consequence: missense variant. On other transcripts: non-coding transcript variant (2).
Genome position (GRCh38, 1-based): chr9:95,468,953, G>C on the plus strand (C>G on the coding strand, the complement: PTCH1 is on the minus strand). VCF-style: chr9-95468953-G-C. GRCh37 (hg19) VCF-style: chr9-98231235-G-C.
Other names: c.1850C>G, p.Ser617Cys (NM_001083602.3); c.2045C>G, p.Ser682Cys (NM_001083603.3); c.1595C>G, p.Ser532Cys (NM_001083604.3, NM_001083605.3, NM_001083606.3 and 1 more transcripts); c.1892C>G, p.Ser631Cys (NM_001354918.2); short protein forms S532C, S617C, S631C, S682C, S683C.
Identifiers: ClinVar variation 3427288 (VCV003427288.1).